The following is an entry in ClinVar:

ClinVar aggregate classification (germline): Uncertain significance (1 of 4 stars; one submission).

Conditions:
Brachyolmia-amelogenesis imperfecta syndrome. Also called: PLATYSPONDYLY WITH AMELOGENESIS IMPERFECTA; Tooth agenesis, selective, 6; Dental anomalies and short stature. Identifiers: Orphanet 2899, MedGen C1832594, MONDO:0011018, OMIM 601216. Disease mechanism: loss of function.

Submission:

Labcorp Genetics (formerly Invitae), Labcorp
Classification: Uncertain significance for Brachyolmia-amelogenesis imperfecta syndrome. Last evaluated: 2020-09-04. Review status: criteria provided, single submitter. Criteria: Invitae Variant Classification Sherloc (09022015). Collection method: clinical testing. Allele origin: germline.
Comment: In summary, the available evidence is currently insufficient to determine the role of this variant in disease. Therefore, it has been classified as a Variant of Uncertain Significance. Algorithms developed to predict the effect of missense changes on protein structure and function are either unavailable or do not agree on the potential impact of this missense change (SIFT: "Tolerated"; PolyPhen-2: "Probably Damaging"; Align-GVGD: "Class C0"). This variant has not been reported in the literature in individuals with LTBP3-related disease. This variant is not present in population databases (ExAC no frequency). This sequence change replaces lysine with glutamic acid at codon 452 of the LTBP3 protein (p.Lys452Glu). The lysine residue is moderately conserved and there is a small physicochemical difference between lysine and glutamic acid.

NM_001130144.3(LTBP3):c.1354A>G (p.Lys452Glu)

Gene: LTBP3 (latent transforming growth factor beta binding protein 3; minus strand). Cytogenetic location: 11q13.1.
Variant type: single nucleotide variant.
Coding change: c.1354A>G on transcript NM_001130144.3 (MANE Select); coding-DNA position 1354, A replaced by G.
Protein change: p.Lys452Glu; replaces lysine 452 with glutamic acid.
Molecular consequence: missense variant.
Genome position (GRCh38, 1-based): chr11:65,552,149, T>C on the plus strand (A>G on the coding strand, the complement: LTBP3 is on the minus strand). VCF-style: chr11-65552149-T-C. GRCh37 (hg19) VCF-style: chr11-65319620-T-C.
Other names: c.1354A>G, p.Lys452Glu (NM_021070.4); c.1003A>G, p.Lys335Glu (NM_001164266.1); short protein forms K335E, K452E.
Identifiers: ClinVar variation 652201 (VCV000652201.9), dbSNP rs1590782835, ClinGen allele CA381273633.